The following is an entry in ClinVar:

ClinVar aggregate classification (germline): Benign/Likely benign. Review status: criteria provided, multiple submitters, no conflicts (2 of 4 stars). 4 submissions from 4 submitters: Benign (2); Likely benign (1). 1 of the submissions does not count toward it. Last evaluated 2026-06-08.

Conditions:
ALPK1-related disorder. Also called: ALPK1-related condition.

Allele frequency attached by ClinVar (database versions not stated): 1000 Genomes Project 30x 0.00156; 1000 Genomes Project 0.00160; gnomAD 0.00277; TOPMed 0.00277; ESP Exome Variant Server 0.00431.
gnomAD v4.1: 7,644 of 1,613,956 alleles (0.47%); highest among the groups gnomAD compares: Non-Finnish European, 0.6%; 25 homozygotes.

Submissions (14):

Women's Health and Genetics/Laboratory Corporation of America, LabCorp
Classification: Benign. Last evaluated: 2026-06-08. Review status: criteria provided, single submitter. Criteria: LabCorp Variant Classification Summary - May 2015. Collection method: clinical testing. Allele origin: germline.

Labcorp Genetics (formerly Invitae), Labcorp
Classification: Benign. Last evaluated: 2026-02-01. Review status: criteria provided, single submitter. Criteria: Invitae Variant Classification Sherloc (09022015). Collection method: clinical testing. Allele origin: germline.

CeGaT Center for Human Genetics Tuebingen
Classification: Likely benign. Last evaluated: 2023-08-01. Review status: criteria provided, single submitter. Criteria: CeGaT Center For Human Genetics Tuebingen Variant Classification Criteria Version 2. Collection method: clinical testing. Allele origin: germline. Affected: yes. Observed: 5 variant alleles.
Comment: ALPK1: BP4, BP7, BS2

PreventionGenetics, part of Exact Sciences
Classification: Likely benign for ALPK1-related condition. Last evaluated: 2024-07-11. Review status: no assertion criteria provided. Collection method: clinical testing. Allele origin: germline. Not counted in ClinVar's aggregate classification.
Comment: This variant is classified as likely benign based on ACMG/AMP sequence variant interpretation guidelines (Richards et al. 2015 PMID: 25741868, with internal and published modifications).

Dr. Peter K. Rogan Lab, Western University
No classification provided (evidence only). Condition: Malignant tumor of urinary bladder. Review status: no classification provided. Collection method: in vitro. Allele origin: not applicable. Functional consequence: retained intron. Not counted in ClinVar's aggregate classification.

Dr. Peter K. Rogan Lab, Western University
No classification provided (evidence only). Condition: Malignant tumor of urinary bladder. Review status: no classification provided. Collection method: in vitro. Allele origin: not applicable. Functional consequence: retained intron. Not counted in ClinVar's aggregate classification.

Dr. Peter K. Rogan Lab, Western University
No classification provided (evidence only). Condition: Melanoma. Review status: no classification provided. Collection method: in vitro. Allele origin: not applicable. Functional consequence: retained intron. Not counted in ClinVar's aggregate classification.

Dr. Peter K. Rogan Lab, Western University
No classification provided (evidence only). Condition: Colon adenocarcinoma. Review status: no classification provided. Collection method: in vitro. Allele origin: not applicable. Functional consequence: skipped exon. Not counted in ClinVar's aggregate classification.

Dr. Peter K. Rogan Lab, Western University
No classification provided (evidence only). Condition: Cervical cancer. Review status: no classification provided. Collection method: in vitro. Allele origin: not applicable. Functional consequence: retained intron. Not counted in ClinVar's aggregate classification.

Dr. Peter K. Rogan Lab, Western University
No classification provided (evidence only). Condition: Sarcoma. Review status: no classification provided. Collection method: in vitro. Allele origin: not applicable. Functional consequence: skipped exon. Not counted in ClinVar's aggregate classification.

Dr. Peter K. Rogan Lab, Western University
No classification provided (evidence only). Condition: Ovarian serous cystadenocarcinoma. Review status: no classification provided. Collection method: in vitro. Allele origin: not applicable. Functional consequence: retained intron. Not counted in ClinVar's aggregate classification.

Dr. Peter K. Rogan Lab, Western University
No classification provided (evidence only). Condition: Uveal melanoma. Review status: no classification provided. Collection method: in vitro. Allele origin: not applicable. Functional consequence: retained intron. Not counted in ClinVar's aggregate classification.

Dr. Peter K. Rogan Lab, Western University
No classification provided (evidence only). Condition: Malignant tumor of esophagus. Review status: no classification provided. Collection method: in vitro. Allele origin: not applicable. Functional consequence: skipped exon. Not counted in ClinVar's aggregate classification.

Dr. Peter K. Rogan Lab, Western University
No classification provided (evidence only). Condition: Malignant tumor of esophagus. Review status: no classification provided. Collection method: in vitro. Allele origin: not applicable. Functional consequence: skipped exon. Not counted in ClinVar's aggregate classification.

NM_025144.4(ALPK1):c.2319C>T (p.Gly773=)

Gene: ALPK1 (alpha kinase 1; plus strand). Cytogenetic location: 4q25.
Variant type: single nucleotide variant.
Coding change: c.2319C>T on transcript NM_025144.4 (MANE Select); coding-DNA position 2319, C replaced by T.
Protein change: p.Gly773=; no amino-acid change (glycine 773 retained).
Molecular consequence: synonymous variant.
Genome position (GRCh38, 1-based): chr4:112,431,866, C>T. VCF-style: chr4-112431866-C-T. GRCh37 (hg19) VCF-style: chr4-113353022-C-T.
Other names: c.2319C>T (NM_001102406.1); c.2319C>T, p.Gly773= (NM_001102406.2); c.2085C>T, p.Gly695= (NM_001253884.2).
Identifiers: ClinVar variation 2043853 (VCV002043853.30), dbSNP rs55964656, ClinGen allele CA3046897.